The following is an entry in ClinVar:

NM_006231.4(POLE):c.5434A>G (p.Ile1812Val)

Gene: POLE (DNA polymerase epsilon, catalytic subunit; minus strand). Cytogenetic location: 12q24.33.
Variant type: single nucleotide variant.
Coding change: c.5434A>G on transcript NM_006231.4 (MANE Select); coding-DNA position 5434, A replaced by G.
Protein change: p.Ile1812Val; replaces isoleucine 1812 with valine.
Molecular consequence: missense variant.
Genome position (GRCh38, 1-based): chr12:132,639,243, T>C on the plus strand (A>G on the coding strand, the complement: POLE is on the minus strand). VCF-style: chr12-132639243-T-C. GRCh37 (hg19) VCF-style: chr12-133215829-T-C.
Other names: short protein forms I1812V.
Identifiers: ClinVar variation 651114 (VCV000651114.9), dbSNP rs1593722018, ClinGen allele CA387374868.
Genomic context (GRCh38, chr12:132,639,243, plus strand): 5'-GCAGAGAGGATGGCGACCGAAGCCAGCGGTAGAAGTGCATCACCTGGTTGTCTGCATAGA[T>C]GTTGTGGTACTGGGTGATCTCCTTCACCCAGCCCACGACCATGCTCTTCAGGATCCTGAA-3'
Protein context (NP_006222.2, residues 1802-1822): WVKEITQYHN[Ile1812Val]YADNQVMHFY

ClinVar aggregate classification (germline): Conflicting classifications of pathogenicity. Review status: criteria provided, conflicting classifications (1 of 4 stars). 2 submissions from 2 submitters: Uncertain significance (1); Likely benign (1). Last evaluated 2022-06-03.

Conditions:
Hereditary cancer-predisposing syndrome. Also called: Neoplastic Syndromes, Hereditary; Tumor predisposition; Hereditary Cancer Syndrome; Hereditary neoplastic syndrome. Identifiers: Orphanet 140162, MedGen C0027672, MeSH D009386, MONDO:0015356.

Allele frequency attached by ClinVar (database versions not stated): gnomAD exomes below 0.00001.
gnomAD v4.1: 1 of 1,614,158 alleles (0.000062%); highest among the groups gnomAD compares: Non-Finnish European, 0.000085%; no homozygotes.

Submissions (2):

Labcorp Genetics (formerly Invitae), Labcorp
Classification: Uncertain significance. Last evaluated: 2022-06-03. Review status: criteria provided, single submitter. Criteria: Invitae Variant Classification Sherloc (09022015). Collection method: clinical testing. Allele origin: germline.
Comment: In summary, the available evidence is currently insufficient to determine the role of this variant in disease. Therefore, it has been classified as a Variant of Uncertain Significance. Algorithms developed to predict the effect of missense changes on protein structure and function output the following: SIFT: "Tolerated"; PolyPhen-2: "Benign"; Align-GVGD: "Class C0". The valine amino acid residue is found in multiple mammalian species, which suggests that this missense change does not adversely affect protein function. ClinVar contains an entry for this variant (Variation ID: 651114). This variant has not been reported in the literature in individuals affected with POLE-related conditions. This variant is not present in population databases (gnomAD no frequency). This sequence change replaces isoleucine, which is neutral and non-polar, with valine, which is neutral and non-polar, at codon 1812 of the POLE protein (p.Ile1812Val).

Ambry Genetics
Classification: Likely benign for Hereditary cancer-predisposing syndrome. Last evaluated: 2021-12-14. Review status: criteria provided, single submitter. Criteria: Ambry Variant Classification Scheme 2023. Collection method: clinical testing. Allele origin: germline.